The following is an entry in ClinVar:

ClinVar aggregate classification (germline): Pathogenic/Likely pathogenic. Review status: criteria provided, multiple submitters, no conflicts (2 of 4 stars). 10 submissions from 10 submitters: Pathogenic (1); Likely pathogenic (8). 1 of the submissions does not count toward it. Last evaluated 2026-01-22.

Conditions:
TFR2-related disorder. Also called: TFR2-related condition.
Hereditary hemochromatosis (HFE). Identifiers: MedGen C0392514, MONDO:0006507. Disease mechanism: loss of function.
Hemochromatosis type 3 (HFE3). Also called: HEMOCHROMATOSIS DUE TO DEFECT IN TRANSFERRIN RECEPTOR 2; Hereditary hemochromatosis type 3; TFR2-Related Hemochromatosis. Identifiers: Orphanet 225123, MedGen C1858664, MONDO:0011417, OMIM 604250.

Allele frequency attached by ClinVar (database versions not stated): TOPMed 0.00003; gnomAD 0.00005 and 0.00006; gnomAD exomes 0.00005; ESP Exome Variant Server 0.00015.
gnomAD v4.1: 135 of 1,613,954 alleles (0.0084%); highest among the groups gnomAD compares: Non-Finnish European, 0.01%; no homozygotes.

Submissions (10):

Labcorp Genetics (formerly Invitae), Labcorp
Classification: Likely pathogenic for Hereditary hemochromatosis. Last evaluated: 2026-01-22. Review status: criteria provided, single submitter. Criteria: Invitae Variant Classification Sherloc (09022015). Collection method: clinical testing. Allele origin: germline.
Comment: This sequence change replaces glycine, which is neutral and non-polar, with arginine, which is basic and polar, at codon 792 of the TFR2 protein (p.Gly792Arg). This variant is present in population databases (rs80338891, gnomAD 0.01%). This missense change has been observed in individuals with hereditary hemochromatosis in a family and has also been observed in several affected individuals (PMID: 16424658, 26029709). It has also been observed to segregate with disease in related individuals. ClinVar contains an entry for this variant (Variation ID: 21374). Invitae Evidence Modeling of protein sequence and biophysical properties (such as structural, functional, and spatial information, amino acid conservation, physicochemical variation, residue mobility, and thermodynamic stability) has been performed for this missense variant. However, the output from this modeling did not meet the statistical confidence thresholds required to predict the impact of this variant on TFR2 protein function. In summary, the currently available evidence indicates that the variant is pathogenic, but additional data are needed to prove that conclusively. Therefore, this variant has been classified as Likely Pathogenic.

First Genomix Gene Laboratory, Genetic Diagnostics Department
Classification: Likely pathogenic for Hemochromatosis type 3. Last evaluated: 2025-12-26. Review status: criteria provided, single submitter. Criteria: ACMG Guidelines, 2015. Collection method: clinical testing. Allele origin: germline. Inheritance: Autosomal recessive inheritance. Affected: no. Observed: 1 variant allele.

PreventionGenetics, part of Exact Sciences
Classification: Pathogenic for TFR2-related condition. Last evaluated: 2025-12-19. Review status: criteria provided, single submitter. Criteria: ACMG Guidelines, 2015. Collection method: clinical testing. Allele origin: germline.
Comment: The TFR2 c.2374G>A variant is predicted to result in the amino acid substitution p.Gly792Arg. This variant was reported in the homozygous and compound heterozygous state in individuals with hemochromatosis (Lee et al. 2006. PubMed ID: 16424658; Joshi et al. 2015. PubMed ID: 26029709). In vitro functional studies indicate this variant impairs TRF2 membrane localization. This variant is reported in 0.010% of alleles in individuals of European (Non-Finnish) descent in gnomAD. This variant is interpreted as pathogenic.

Natera, Inc.
Classification: Likely pathogenic for Hereditary hemochromatosis type 3. Last evaluated: 2025-11-11. Review status: criteria provided, single submitter. Criteria: Natera Variant Classification Schema (03/2026). Collection method: clinical testing. Allele origin: germline.
Comment: The c.2374G>A variant in TFR2 is a missense variant predicted to cause substitution of glycine to arginine at amino acid 792. This variant is rare in the general population with a frequency below the threshold expected for the associated phenotype(s). This variant has been observed in one or more individuals affected with the associated recessive disease, as either homozygous or compound heterozygous with a second variant (PMID: 21199650). Functional studies show that this variant may disrupt protein function (PMID: 26029709). Computational prediction algorithms indicate this variant is likely to affect gene or protein function. Given the available evidence, this variant is classified as Likely Pathogenic.

Blueprint Genetics
Classification: Likely pathogenic for TFR2-related disorders. Last evaluated: 2024-08-26. Review status: criteria provided, single submitter. Criteria: ACMG Guidelines, 2015. Collection method: clinical testing. Allele origin: germline. Affected: yes. Observed: 5 variant alleles.

Fulgent Genetics
Classification: Likely pathogenic for Hemochromatosis type 3. Last evaluated: 2024-03-28. Review status: criteria provided, single submitter. Criteria: ACMG Guidelines, 2015. Collection method: clinical testing. Allele origin: germline.

Baylor Genetics
Classification: Likely pathogenic for Hemochromatosis type 3. Last evaluated: 2024-03-25. Review status: criteria provided, single submitter. Criteria: ACMG Guidelines, 2015. Collection method: clinical testing. Allele origin: unknown.

Revvity Omics, Revvity
Classification: Likely pathogenic for Hemochromatosis type 3. Last evaluated: 2022-04-29. Review status: criteria provided, single submitter. Criteria: ACMG Guidelines, 2015. Collection method: clinical testing. Allele origin: germline.

GeneDx
Classification: Likely pathogenic. Last evaluated: 2018-03-20. Review status: criteria provided, single submitter. Criteria: GeneDx Variant Classification (06012015). Collection method: clinical testing. Allele origin: germline. Affected: yes.
Comment: The G792R variant in the TFR2 gene has been reported previously in the homozygous and compound heterozygous state in individuals affected with hemochromatosis (Joshi et al., 2015; Lee et al., 2006). The G792R variant was not observed at any significant frequency in approximately 6500 individuals of European and African American ancestry in the NHLBI Exome Sequencing Project, indicating it is not a common benign variant in these populations. The G792R variant is a non-conservative amino acid substitution, which is likely to impact secondary protein structure as these residues differ in polarity, charge, size and/or other properties. This substitution occurs at a position where amino acids with similar properties to Glycine are tolerated across species. Cellular protein localization studies using immunofluorescence demonstrate that the G792R variant impairs the plasma membrane localization of TFR2 (Joshi et al., 2015). The G792R variant is a strong candidate for a pathogenic variant, however the possibility it may be a rare benign variant cannot be excluded.

GeneReviews
No classification provided. Condition: Hemochromatosis type 3. Review status: no classification provided. Collection method: literature only. Allele origin: unknown. Not counted in ClinVar's aggregate classification.

Literature cited by the submitters: PubMed 16424658 (cited by Labcorp Genetics (formerly Invitae), Labcorp and GeneReviews); PubMed 26029709 (cited by Labcorp Genetics (formerly Invitae), Labcorp and Natera, Inc.); PubMed 21199650 (cited by Natera, Inc.); PubMed 20301523 (cited by GeneReviews); NCBI Bookshelf NBK1349 (cited by GeneReviews).

NM_003227.4(TFR2):c.2374G>A (p.Gly792Arg)

Gene: TFR2 (transferrin receptor 2; minus strand). Cytogenetic location: 7q22.1.
Variant type: single nucleotide variant.
Coding change: c.2374G>A on transcript NM_003227.4 (MANE Select); coding-DNA position 2374, G replaced by A.
Protein change: p.Gly792Arg; replaces glycine 792 with arginine.
Molecular consequence: missense variant.
Genome position (GRCh38, 1-based): chr7:100,620,889, C>T on the plus strand (G>A on the coding strand, the complement: TFR2 is on the minus strand). VCF-style: chr7-100620889-C-T. GRCh37 (hg19) VCF-style: chr7-100218512-C-T.
Other names: c.1861G>A, p.Gly621Arg (NM_001206855.3); short protein forms G792R, G621R.
Identifiers: ClinVar variation 21374 (VCV000021374.23), dbSNP rs80338891, ClinGen allele CA341989.
Genomic context (GRCh38, chr7:100,620,889, plus strand): 5'-GGACGGGGATGTGAGGATCCCCAGGGCCTCAGAAGTTGTTATCAATGTTCCAGACATCCC[C>T]GCTAAGCGCATTGGCTGCCCCTTGCAGCGTCCAGGTGAGCAGGGCTAGCTGACGCCGGAA-3'
Protein context (NP_003218.2, residues 782-801): TLQGAANALS[Gly792Arg]DVWNIDNNF